The following is an entry in ClinVar:

ClinVar aggregate classification (germline): Uncertain significance (1 of 4 stars; one submission).

Conditions:
Hereditary breast ovarian cancer syndrome. Also called: Hereditary breast and ovarian cancer syndrome (HBOC); Hereditary breast and ovarian cancer syndrome; Hereditary breast and ovarian cancer; Breast and ovarian cancer; BRCA1- and BRCA2-Associated Hereditary Breast and Ovarian Cancer; Hereditary breast and/or ovarian cancer syndrome. Identifiers: Orphanet 145, MedGen C0677776, MeSH D061325, MONDO:0003582. Disease mechanism: loss of function.

Submission:

Labcorp Genetics (formerly Invitae), Labcorp
Classification: Uncertain significance for Hereditary breast ovarian cancer syndrome. Last evaluated: 2023-08-28. Review status: criteria provided, single submitter. Criteria: Invitae Variant Classification Sherloc (09022015). Collection method: clinical testing. Allele origin: germline.
Comment: In summary, the available evidence is currently insufficient to determine the role of this variant in disease. Therefore, it has been classified as a Variant of Uncertain Significance. Advanced modeling of protein sequence and biophysical properties (such as structural, functional, and spatial information, amino acid conservation, physicochemical variation, residue mobility, and thermodynamic stability) performed at Invitae indicates that this missense variant is not expected to disrupt BRCA2 protein function. ClinVar contains an entry for this variant (Variation ID: 2011735). This variant has not been reported in the literature in individuals affected with BRCA2-related conditions. This variant is not present in population databases (gnomAD no frequency). This sequence change replaces valine, which is neutral and non-polar, with alanine, which is neutral and non-polar, at codon 2333 of the BRCA2 protein (p.Val2333Ala).

NM_000059.4(BRCA2):c.6998T>C (p.Val2333Ala)

Gene: BRCA2 (BRCA2 DNA repair associated; plus strand). Cytogenetic location: 13q13.1.
Variant type: single nucleotide variant.
Coding change: c.6998T>C on transcript NM_000059.4 (MANE Select); coding-DNA position 6998, T replaced by C.
Protein change: p.Val2333Ala; replaces valine 2333 with alanine.
Molecular consequence: missense variant.
Genome position (GRCh38, 1-based): chr13:32,346,887, T>C. VCF-style: chr13-32346887-T-C. GRCh37 (hg19) VCF-style: chr13-32921024-T-C.
Other names: c.6902T>C, p.Val2301Ala (NM_001406719.1); c.6998T>C, p.Val2333Ala (NM_001406720.1); c.2066T>C, p.Val689Ala (NM_001406721.1); c.581T>C, p.Val194Ala (NM_001406722.1); short protein forms V194A, V2333A, V689A, V2301A.
Identifiers: ClinVar variation 2011735 (VCV002011735.4), dbSNP rs2548537106, ClinGen allele CA387793165.
Genomic context (GRCh38, chr13:32,346,887, plus strand): 5'-GCACAATAAAAGATCGAAGATTGTTTATGCATCATGTTTCTTTAGAGCCGATTACCTGTG[T>C]ACCCTTTCGGTAAGACATGTTTAAATTTTTCTAAATTCTAATACAGTATGAGAAAAGTCT-3'
Protein context (NP_000050.3, residues 2323-2343): HHVSLEPITC[Val2333Ala]PFRTTKERQE